The following is an entry in ClinVar:

ClinVar aggregate classification (germline): Conflicting classifications of pathogenicity. Review status: criteria provided, conflicting classifications (1 of 4 stars). 3 submissions from 3 submitters: Uncertain significance (1); Likely benign (2). Last evaluated 2025-03-17.

Conditions:
Hypertrophic cardiomyopathy. Also called: HYPERTROPHIC MYOCARDIOPATHY. Identifiers: Orphanet 217569, MedGen C0007194, MeSH D002312, MONDO:0005045, HP:0001639.

Submissions (3):

Labcorp Genetics (formerly Invitae), Labcorp
Classification: Uncertain significance for Hypertrophic cardiomyopathy. Last evaluated: 2025-03-17. Review status: criteria provided, single submitter. Criteria: Invitae Variant Classification Sherloc (09022015). Collection method: clinical testing. Allele origin: germline.
Comment: This sequence change affects codon 899 of the MYOM1 mRNA. It is a 'silent' change, meaning that it does not change the encoded amino acid sequence of the MYOM1 protein. This variant is not present in population databases (gnomAD no frequency). This variant has not been reported in the literature in individuals affected with MYOM1-related conditions. ClinVar contains an entry for this variant (Variation ID: 505378). Algorithms developed to predict the effect of sequence changes on RNA splicing suggest that this variant may create or strengthen a splice site. In summary, the available evidence is currently insufficient to determine the role of this variant in disease. Therefore, it has been classified as a Variant of Uncertain Significance.

Ambry Genetics
Classification: Likely benign. Last evaluated: 2024-06-18. Review status: criteria provided, single submitter. Criteria: Ambry Variant Classification Scheme 2023. Collection method: clinical testing. Allele origin: germline.

Laboratory for Molecular Medicine, Mass General Brigham Personalized Medicine
Classification: Likely benign. Last evaluated: 2016-10-25. Review status: criteria provided, single submitter. Criteria: LMM Criteria. Collection method: clinical testing. Allele origin: germline. Observed: 1 variant allele.
Comment: p.Val899Val in exon 18 of MYOM1: This variant is not expected to have clinical s ignificance because it does not alter an amino acid residue and is not located w ithin the splice consensus sequence. This variant was absent from large populati on studies.

NM_003803.4(MYOM1):c.2697A>C (p.Val899=)

Gene: MYOM1 (myomesin 1; minus strand). Cytogenetic location: 18p11.31.
Variant type: single nucleotide variant.
Coding change: c.2697A>C on transcript NM_003803.4 (MANE Select); coding-DNA position 2697, A replaced by C.
Protein change: p.Val899=; no amino-acid change (valine 899 retained).
Molecular consequence: synonymous variant. On other transcripts: intron variant (1).
Genome position (GRCh38, 1-based): chr18:3,129,329, T>G on the plus strand (A>C on the coding strand, the complement: MYOM1 is on the minus strand). VCF-style: chr18-3129329-T-G. GRCh37 (hg19) VCF-style: chr18-3129327-T-G.
Other names: c.2506+2046A>C (NM_019856.2).
Identifiers: ClinVar variation 505378 (VCV000505378.8), dbSNP rs771666952, ClinGen allele CA502809783.